The following is an entry in ClinVar:

NM_000038.6(APC):c.7116G>C (p.Gln2372His)

Gene: APC (APC regulator of Wnt signaling pathway; plus strand). Cytogenetic location: 5q22.2.
Variant type: single nucleotide variant.
Coding change: c.7116G>C on transcript NM_000038.6 (MANE Select); coding-DNA position 7116, G replaced by C.
Protein change: p.Gln2372His; replaces glutamine 2372 with histidine.
Molecular consequence: missense variant. On other transcripts: non-coding transcript variant (2).
Genome position (GRCh38, 1-based): chr5:112,842,710, G>C. VCF-style: chr5-112842710-G-C. GRCh37 (hg19) VCF-style: chr5-112178407-G-C.
Other names: c.6813G>C, p.Gln2271His (NM_001354903.2, NM_001407458.1, NM_001407459.1 and 1 more transcripts); c.6738G>C, p.Gln2246His (NM_001354904.2); c.6636G>C, p.Gln2212His (NM_001354905.2); c.6267G>C, p.Gln2089His (NM_001354906.2, NM_001407470.1); c.7200G>C, p.Gln2400His (NM_001407446.1); c.7170G>C, p.Gln2390His (NM_001407449.1, NM_001407447.1, NM_001407448.1 and 1 more transcripts); c.7116G>C, p.Gln2372His (NM_001407450.1, NM_001127510.3, NM_001354895.2); c.7032G>C, p.Gln2344His (NM_001354899.2); and 11 more; short protein forms Q1988H, Q2313H, Q2347H, Q2365H, Q2246H, Q2390H, Q2400H, Q2089H.
Identifiers: ClinVar variation 3881529 (VCV003881529.1).
Genomic context (GRCh38, chr5:112,842,710, plus strand): 5'-TACTGCTTCAACTAAGTCCTCAGGTTCTGGAAAAATGTCATATACATCTCCAGGTAGACA[G>C]ATGAGCCAACAGAACCTTACCAAACAAACAGGTTTATCCAAGAATGCCAGTAGTATTCCA-3'
Protein context (NP_000029.2, residues 2362-2382): GKMSYTSPGR[Gln2372His]MSQQNLTKQT

ClinVar aggregate classification (germline): Uncertain significance (1 of 4 stars; one submission).

Conditions:
Hereditary cancer-predisposing syndrome. Also called: Tumor predisposition; Neoplastic Syndromes, Hereditary; Hereditary Cancer Syndrome; Hereditary neoplastic syndrome. Identifiers: Orphanet 140162, MedGen C0027672, MeSH D009386, MONDO:0015356.

Submission:

Ambry Genetics
Classification: Uncertain significance for Hereditary cancer-predisposing syndrome. Last evaluated: 2025-01-05. Review status: criteria provided, single submitter. Criteria: Ambry Variant Classification Scheme 2023. Collection method: clinical testing. Allele origin: germline.
Comment: The p.Q2372H variant (also known as c.7116G>C), located in coding exon 15 of the APC gene, results from a G to C substitution at nucleotide position 7116. The glutamine at codon 2372 is replaced by histidine, an amino acid with highly similar properties. This amino acid position is conserved. In addition, in silico predictors for this gene do not accurately predict pathogenicity. Based on the available evidence, the clinical significance of this variant remains unclear.